The following is an entry in ClinVar:

ClinVar aggregate classification (germline): Uncertain significance. Review status: criteria provided, multiple submitters, no conflicts (2 of 4 stars). 2 submissions from 2 submitters: Uncertain significance (2). Last evaluated 2025-05-02.

Conditions:
Inborn genetic diseases. Identifiers: MedGen C0950123, MeSH D030342.
Colorectal cancer. Also called: Colorectal cancer, somatic; Malignant Colorectal Neoplasm. Identifiers: MedGen C0346629, MONDO:0005575, OMIM 114500.
Mosaic variegated aneuploidy syndrome 1 (MVA1). Also called: Warburton-Anyane-Yeboa syndrome. Identifiers: Orphanet 1052, MedGen C1850343, MONDO:0009759, OMIM 257300.
Premature chromatid separation trait (PCS). Also called: TOTAL PREMATURE CHROMATID SEPARATION TRAIT. Identifiers: MedGen C1864389, MONDO:0008304, OMIM 176430.

gnomAD v4.1: 1 of 1,614,178 alleles (0.000062%); highest among the groups gnomAD compares: Non-Finnish European, 0.000085%; no homozygotes.

Submissions (2):

Ambry Genetics
Classification: Uncertain significance for Inborn genetic diseases. Last evaluated: 2025-05-02. Review status: criteria provided, single submitter. Criteria: Ambry Variant Classification Scheme 2023. Collection method: clinical testing. Allele origin: germline.
Comment: The p.P948S variant (also known as c.2842C>T), located in coding exon 21 of the BUB1B gene, results from a C to T substitution at nucleotide position 2842. The proline at codon 948 is replaced by serine, an amino acid with similar properties. This amino acid position is conserved. In addition, this alteration is predicted to be tolerated by in silico analysis. Based on the available evidence, the clinical significance of this variant remains unclear.

Fulgent Genetics
Classification: Uncertain significance for Colorectal cancer; Premature chromatid separation trait; Mosaic variegated aneuploidy syndrome 1. Last evaluated: 2024-01-10. Review status: criteria provided, single submitter. Criteria: ACMG Guidelines, 2015. Collection method: clinical testing. Allele origin: germline.

NM_001211.6(BUB1B):c.2842C>T (p.Pro948Ser)

Genes: BUB1B (BUB1 mitotic checkpoint serine/threonine kinase B; plus strand), BUB1B-PAK6 (BUB1B-PAK6 readthrough; plus strand). Cytogenetic location: 15q15.1.
Variant type: single nucleotide variant.
Coding change: c.2842C>T on transcript NM_001211.6 (MANE Select); coding-DNA position 2842, C replaced by T.
Protein change: p.Pro948Ser; replaces proline 948 with serine.
Molecular consequence: missense variant. On other transcripts: 5 prime UTR variant (2).
Genome position (GRCh38, 1-based): chr15:40,217,659, C>T. VCF-style: chr15-40217659-C-T. GRCh37 (hg19) VCF-style: chr15-40509860-C-T.
Other names: c.-209C>T (NM_001128628.3); c.-126C>T (NM_001128629.3); short protein forms P948S.
Identifiers: ClinVar variation 3577089 (VCV003577089.2).